The following is an entry in ClinVar:

ClinVar aggregate classification (germline): Uncertain significance. Review status: criteria provided, multiple submitters, no conflicts (2 of 4 stars). 3 submissions from 3 submitters: Uncertain significance (3). Last evaluated 2025-09-25.

Conditions:
Inborn genetic diseases. Identifiers: MedGen C0950123, MeSH D030342.
Baller-Gerold syndrome (BGS). Also called: CRANIOSYNOSTOSIS WITH RADIAL DEFECTS. Identifiers: Orphanet 1225, MedGen C0265308, MONDO:0009039, OMIM 218600.
Rothmund-Thomson syndrome type 2 (RTS2). Identifiers: Orphanet 221016, MedGen C5203410, MONDO:0016369, OMIM 268400.

Submissions (3):

Ambry Genetics
Classification: Uncertain significance for Inborn genetic diseases. Last evaluated: 2025-09-25. Review status: criteria provided, single submitter. Criteria: Ambry Variant Classification Scheme 2023. Collection method: clinical testing. Allele origin: germline.

Labcorp Genetics (formerly Invitae), Labcorp
Classification: Uncertain significance for Baller-Gerold syndrome. Last evaluated: 2024-09-20. Review status: criteria provided, single submitter. Criteria: Invitae Variant Classification Sherloc (09022015). Collection method: clinical testing. Allele origin: germline.
Comment: This sequence change replaces threonine, which is neutral and polar, with asparagine, which is neutral and polar, at codon 38 of the RECQL4 protein (p.Thr38Asn). This variant is present in population databases (no rsID available, gnomAD 0.03%). This variant has not been reported in the literature in individuals affected with RECQL4-related conditions. ClinVar contains an entry for this variant (Variation ID: 1058080). Experimental studies and prediction algorithms are not available or were not evaluated, and the functional significance of this variant is currently unknown. In summary, the available evidence is currently insufficient to determine the role of this variant in disease. Therefore, it has been classified as a Variant of Uncertain Significance.

St. Jude Molecular Pathology, St. Jude Children's Research Hospital
Classification: Uncertain significance for Rothmund-Thomson syndrome type 2. Last evaluated: 2023-10-31. Review status: criteria provided, single submitter. Criteria: St. Jude Assertion Criteria 2020. Collection method: clinical testing. Allele origin: germline.
Comment: The RECQL4 c.113C>A (p.Thr38Asn) missense change has a maximum subpopulation frequency of 0.035% in gnomAD v2.1.1. In silico tools predict a deleterious effect of this variant on protein function, but to our knowledge functional studies have not been performed. To our knowledge, this variant has not been reported in individuals with RECQL4-associated conditions. In summary, the evidence currently available is insufficient to determine the clinical significance of this variant. It has therefore been classified as of uncertain significance.

NM_004260.4(RECQL4):c.113C>A (p.Thr38Asn)

Genes: RECQL4 (RecQ like helicase 4; minus strand), LOC130001411 (ATAC-STARR-seq lymphoblastoid silent region 19699; plus strand). Cytogenetic location: 8q24.3.
Variant type: single nucleotide variant.
Coding change: c.113C>A on transcript NM_004260.4 (MANE Select); coding-DNA position 113, C replaced by A.
Protein change: p.Thr38Asn; replaces threonine 38 with asparagine.
Molecular consequence: missense variant.
Genome position (GRCh38, 1-based): chr8:144,517,607, G>T on the plus strand (C>A on the coding strand, the complement: RECQL4 is on the minus strand). VCF-style: chr8-144517607-G-T. GRCh37 (hg19) VCF-style: chr8-145742991-G-T.
Other names: c.113C>A (NM_004260.3); short protein forms T38N.
Identifiers: ClinVar variation 1058080 (VCV001058080.8), dbSNP rs1348040384, ClinGen allele CA372693375.